The following is an entry in ClinVar:

ClinVar aggregate classification (germline): Pathogenic/Likely pathogenic. Review status: criteria provided, multiple submitters, no conflicts (2 of 4 stars). 5 submissions from 5 submitters: Pathogenic (3); Likely pathogenic (2). Last evaluated 2026-09-03.

Conditions:
Cardiovascular phenotype. Identifiers: MedGen CN230736.
Hereditary cancer-predisposing syndrome. Also called: Tumor predisposition; Hereditary Cancer Syndrome; Hereditary neoplastic syndrome; Neoplastic Syndromes, Hereditary. Identifiers: Orphanet 140162, MedGen C0027672, MeSH D009386, MONDO:0015356.
Neurofibromatosis, type 1 (NF1). Also called: VON RECKLINGHAUSEN DISEASE; Peripheral type neurofibromatosis; Neurofibromatosis, type I; NEUROFIBROMATOSIS, TYPE I, SOMATIC. Identifiers: Orphanet 636, MedGen C0027831, MONDO:0018975, OMIM 162200. Disease mechanism: loss of function.

Submissions (5):

Ambry Genetics
Classification: Pathogenic for Cardiovascular phenotype; Hereditary cancer-predisposing syndrome. Last evaluated: 2026-09-03. Review status: criteria provided, single submitter. Criteria: Ambry Variant Classification Scheme 2023. Collection method: clinical testing. Allele origin: germline.
Comment: The c.1738delT pathogenic mutation, located in coding exon 16 of the NF1 gene, results from a deletion of one nucleotide at nucleotide position 1738, causing a translational frameshift with a predicted alternate stop codon (p.Y580Tfs*6). This variant was reported in individual(s) with features consistent with neurofibromatosis type 1 (NF1) (van Minkelen R et al. Clin Genet, 2014 Apr;85:318-27). This variant is considered to be rare based on population cohorts in the Genome Aggregation Database (gnomAD). This alteration is expected to result in loss of function by premature protein truncation or nonsense-mediated mRNA decay. As such, this alteration is interpreted as a disease-causing mutation.

Labcorp Genetics (formerly Invitae), Labcorp
Classification: Pathogenic for Neurofibromatosis, type 1. Last evaluated: 2023-08-30. Review status: criteria provided, single submitter. Criteria: Invitae Variant Classification Sherloc (09022015). Collection method: clinical testing. Allele origin: germline.
Comment: For these reasons, this variant has been classified as Pathogenic. ClinVar contains an entry for this variant (Variation ID: 996444). This premature translational stop signal has been observed in individual(s) with clinical features of NF1-related conditions (PMID: 21520333). This variant is not present in population databases (gnomAD no frequency). This sequence change creates a premature translational stop signal (p.Tyr580Thrfs*6) in the NF1 gene. It is expected to result in an absent or disrupted protein product. Loss-of-function variants in NF1 are known to be pathogenic (PMID: 10712197, 23913538).

3billion
Classification: Pathogenic for Neurofibromatosis, type 1. Last evaluated: 2022-05-22. Review status: criteria provided, single submitter. Criteria: ACMG Guidelines, 2015. Collection method: clinical testing. Allele origin: germline. Affected: yes. Observed: 1 heterozygote.
Comment: The variant is not observed in the gnomAD v2.1.1 dataset. Frameshift: predicted to result in a loss or disruption of normal protein function through nonsense-mediated decay (NMD) or protein truncation. Multiple pathogenic variants are reported downstream of the variant. The variant has been reported at least twice as pathogenic with clinical assertions and evidence for the classification (ClinVar ID: VCV000996444). Therefore, this variant is classified as pathogenic according to the recommendation of ACMG/AMP guideline.

Genome-Nilou Lab
Classification: Likely pathogenic for Neurofibromatosis, type 1. Last evaluated: 2022-03-15. Review status: criteria provided, single submitter. Criteria: ACMG Guidelines, 2015. Collection method: clinical testing. Allele origin: germline. Affected: no.

Genome Diagnostics Laboratory, The Hospital for Sick Children
Classification: Likely pathogenic for Neurofibromatosis, type 1. Last evaluated: 2020-10-26. Review status: criteria provided, single submitter. Criteria: ACMG Guidelines, 2015. Collection method: clinical testing. Allele origin: germline. Affected: yes.

Literature cited by the submitters: PubMed 23656349 (cited by Ambry Genetics); PubMed 21520333 (cited by Labcorp Genetics (formerly Invitae), Labcorp); PubMed 10712197 (cited by Labcorp Genetics (formerly Invitae), Labcorp); PubMed 23913538 (cited by Labcorp Genetics (formerly Invitae), Labcorp).

NM_001042492.3(NF1):c.1738del (p.Tyr580fs)

Gene: NF1 (neurofibromin 1; plus strand). Cytogenetic location: 17q11.2.
Variant type: Deletion.
Coding change: c.1738del on transcript NM_001042492.3 (MANE Select); coding-DNA position 1738, one base deleted (T; older notation c.1738delT).
Protein change: p.Tyr580fs; shifts the reading frame from tyrosine 580.
Molecular consequence: frameshift variant.
Genome position (GRCh38, 1-based): chr17:31,223,460, T deleted; the last of 6 consecutive T bases (chr17:31,223,455-31,223,460); deleting any one gives the same sequence. VCF-style (leftmost placement, unchanged base first): chr17-31223454-CT-C. GRCh37 (hg19) VCF-style: chr17-29550472-CT-C.
Other names: c.1738delT (NM_000267.3); c.1738delT, p.Tyr580Thrfs (NM_000267.4); short protein forms Y580fs.
Identifiers: ClinVar variation 996444 (VCV000996444.11), dbSNP rs786204255, ClinGen allele CA2255560247.